The following is an entry in ClinVar:

NM_138348.6(OTULIN):c.83_112del (p.Thr28_Ala37del)

Gene: OTULIN (OTU deubiquitinase with linear linkage specificity; plus strand). Cytogenetic location: 5p15.2.
Variant type: Deletion.
Coding change: c.83_112del on transcript NM_138348.6 (MANE Select); coding-DNA positions 83 to 112, 30 bases deleted (CGGCGCGGGACGGCGGGAAGGCGGCGGCCA).
Protein change: p.Thr28_Ala37del.
Molecular consequence: inframe deletion.
Genome position (GRCh38, 1-based): chr5:14,664,908-14,664,937, CGGCGCGGGACGGCGGGAAGGCGGCGGCCA deleted; deleting any 30 consecutive bases within chr5:14,664,896-14,664,937 gives the same sequence; the c. name uses the placement nearest the transcript's 3' end. VCF-style (leftmost placement, unchanged base first): chr5-14664895-GAGGCGGCGGCCACGGCGCGGGACGGCGGGA-G. GRCh37 (hg19) VCF-style: chr5-14665004-GAGGCGGCGGCCACGGCGCGGGACGGCGGGA-G.
Identifiers: ClinVar variation 1925412 (VCV001925412.5), dbSNP rs1019811335, ClinGen allele CA114003911.
Genomic context (GRCh38, chr5:14,664,895, plus strand): 5'-GGGACTATGCCCCAGCCCGAAGCGTGGCCAGGCGCGAGCTGCGCCGAGACGCCGGCGCGG[GAGGCGGCGGCCACGGCGCGGGACGGCGGGA>G]AGGCGGCGGCCAGCGGGCAGCCGCGGCCCGAGATGCAGTGCCCGGCCGAGCAGTGAGTCC-3'

ClinVar aggregate classification (germline): Uncertain significance (1 of 4 stars; one submission).

Submission:

Labcorp Genetics (formerly Invitae), Labcorp
Classification: Uncertain significance. Last evaluated: 2025-09-07. Review status: criteria provided, single submitter. Criteria: Invitae Variant Classification Sherloc (09022015). Collection method: clinical testing. Allele origin: germline.
Comment: This variant, c.83_112del, results in the deletion of 10 amino acid(s) of the OTULIN protein (p.Thr28_Ala37del), but otherwise preserves the integrity of the reading frame. The frequency data for this variant in the population databases is considered unreliable, as metrics indicate poor data quality at this position in the gnomAD database. This variant has not been reported in the literature in individuals affected with OTULIN-related conditions. ClinVar contains an entry for this variant (Variation ID: 1925412). Experimental studies and prediction algorithms are not available or were not evaluated, and the functional significance of this variant is currently unknown. In summary, the available evidence is currently insufficient to determine the role of this variant in disease. Therefore, it has been classified as a Variant of Uncertain Significance.